The following is an entry in ClinVar:

NM_052813.5(CARD9):c.998G>A (p.Arg333His)

Gene: CARD9 (caspase recruitment domain family member 9; minus strand). Cytogenetic location: 9q34.3.
Variant type: single nucleotide variant.
Coding change: c.998G>A on transcript NM_052813.5 (MANE Select); coding-DNA position 998, G replaced by A.
Protein change: p.Arg333His; replaces arginine 333 with histidine.
Molecular consequence: missense variant.
Genome position (GRCh38, 1-based): chr9:136,369,829, C>T on the plus strand (G>A on the coding strand, the complement: CARD9 is on the minus strand). VCF-style: chr9-136369829-C-T. GRCh37 (hg19) VCF-style: chr9-139264281-C-T.
Other names: c.998G>A, p.Arg333His (NM_052814.4); short protein forms R333H.
Identifiers: ClinVar variation 854438 (VCV000854438.12), dbSNP rs200783121, ClinGen allele CA5332880.

ClinVar aggregate classification (germline): Uncertain significance. Review status: criteria provided, multiple submitters, no conflicts (2 of 4 stars). 3 submissions from 3 submitters: Uncertain significance (3). Last evaluated 2024-11-04.

Conditions:
Predisposition to invasive fungal disease due to CARD9 deficiency (IMD103). Also called: IMMUNODEFICIENCY 103, SUSCEPTIBILITY TO FUNGAL INFECTIONS; Candidiasis, familial, 2, autosomal recessive; CARD9 IMMUNODEFICIENCY. Identifiers: Orphanet 457088, MedGen C1859353, MONDO:0008905, OMIM 212050.
Inborn genetic diseases. Identifiers: MedGen C0950123, MeSH D030342.

Allele frequency attached by ClinVar (database versions not stated): gnomAD 0.00001 and 0.00003; gnomAD exomes 0.00003; TOPMed 0.00003; ExAC 0.00005; ESP Exome Variant Server 0.00008.

Submissions (3):

Labcorp Genetics (formerly Invitae), Labcorp
Classification: Uncertain significance for Predisposition to invasive fungal disease due to CARD9 deficiency. Last evaluated: 2024-11-04. Review status: criteria provided, single submitter. Criteria: Invitae Variant Classification Sherloc (09022015). Collection method: clinical testing. Allele origin: germline.
Comment: This sequence change replaces arginine, which is basic and polar, with histidine, which is basic and polar, at codon 333 of the CARD9 protein (p.Arg333His). This variant is present in population databases (rs200783121, gnomAD 0.007%). This variant has not been reported in the literature in individuals affected with CARD9-related conditions. ClinVar contains an entry for this variant (Variation ID: 854438). Invitae Evidence Modeling of protein sequence and biophysical properties (such as structural, functional, and spatial information, amino acid conservation, physicochemical variation, residue mobility, and thermodynamic stability) indicates that this missense variant is not expected to disrupt CARD9 protein function with a negative predictive value of 80%. In summary, the available evidence is currently insufficient to determine the role of this variant in disease. Therefore, it has been classified as a Variant of Uncertain Significance.

Ambry Genetics
Classification: Uncertain significance for Inborn genetic diseases. Last evaluated: 2022-09-29. Review status: criteria provided, single submitter. Criteria: Ambry Variant Classification Scheme 2023. Collection method: clinical testing. Allele origin: germline.

Fulgent Genetics
Classification: Uncertain significance for Predisposition to invasive fungal disease due to CARD9 deficiency. Last evaluated: 2021-10-05. Review status: criteria provided, single submitter. Criteria: ACMG Guidelines, 2015. Collection method: clinical testing. Allele origin: unknown.